The following is an entry in ClinVar:

ClinVar aggregate classification (germline): Likely benign (0 of 4 stars; one submission).

Conditions:
ITSN1-related disorder. Also called: ITSN1-related condition.

Allele frequency attached by ClinVar (database versions not stated): gnomAD 0.00003; TOPMed 0.00004; ExAC 0.00006; ESP Exome Variant Server 0.00008.
gnomAD v4.1: 79 of 1,613,932 alleles (0.0049%); highest among the groups gnomAD compares: South Asian, 0.026%; no homozygotes.

Submission:

PreventionGenetics, part of Exact Sciences
Classification: Likely benign for ITSN1-related condition. Last evaluated: 2020-10-12. Review status: no assertion criteria provided. Collection method: clinical testing. Allele origin: germline.
Comment: This variant is classified as likely benign based on ACMG/AMP sequence variant interpretation guidelines (Richards et al. 2015 PMID: 25741868, with internal and published modifications).

NM_003024.3(ITSN1):c.4503C>T (p.Thr1501=)

Gene: ITSN1 (intersectin 1; plus strand). Cytogenetic location: 21q22.11.
Variant type: single nucleotide variant.
Coding change: c.4503C>T on transcript NM_003024.3 (MANE Select); coding-DNA position 4503, C replaced by T.
Protein change: p.Thr1501=; no amino-acid change (threonine 1501 retained).
Molecular consequence: synonymous variant.
Genome position (GRCh38, 1-based): chr21:33,882,404, C>T. VCF-style: chr21-33882404-C-T. GRCh37 (hg19) VCF-style: chr21-35254708-C-T.
Other names: c.4488C>T, p.Thr1496= (NM_001331010.2).
Identifiers: ClinVar variation 3031789 (VCV003031789.2), dbSNP rs149248570, ClinGen allele CA10012441.